The following is an entry in ClinVar:

ClinVar aggregate classification (germline): Uncertain significance (1 of 4 stars; one submission).

Submission:

Labcorp Genetics (formerly Invitae), Labcorp
Classification: Uncertain significance. Last evaluated: 2025-01-27. Review status: criteria provided, single submitter. Criteria: Invitae Variant Classification Sherloc (09022015). Collection method: clinical testing. Allele origin: germline.
Comment: This variant, c.1735_1737del, results in the deletion of 1 amino acid(s) of the FGFR3 protein (p.Phe579del), but otherwise preserves the integrity of the reading frame. This variant is present in population databases (rs778027676, gnomAD 0.006%). This variant has not been reported in the literature in individuals affected with FGFR3-related conditions. Experimental studies and prediction algorithms are not available or were not evaluated, and the functional significance of this variant is currently unknown. In summary, the available evidence is currently insufficient to determine the role of this variant in disease. Therefore, it has been classified as a Variant of Uncertain Significance.

NM_000142.5(FGFR3):c.1735_1737del (p.Phe579del)

Gene: FGFR3 (fibroblast growth factor receptor 3; plus strand). Cytogenetic location: 4p16.3.
Variant type: Deletion.
Coding change: c.1735_1737del on transcript NM_000142.5 (MANE Select); coding-DNA positions 1735 to 1737, 3 bases deleted (TTC; older notation c.1735_1737delTTC).
Protein change: p.Phe579del; deletes phenylalanine 579.
Molecular consequence: inframe deletion. On other transcripts: non-coding transcript variant (1).
Genome position (GRCh38, 1-based): chr4:1,805,839-1,805,841, TTC deleted; deleting any 3 consecutive bases within chr4:1,805,838-1,805,841 gives the same sequence; the c. name uses the placement nearest the transcript's 3' end. VCF-style (leftmost placement, unchanged base first): chr4-1805837-CCTT-C. GRCh37 (hg19) VCF-style: chr4-1807564-CCTT-C.
Other names: c.1741_1743del, p.Phe581del (NM_001163213.2); c.1738_1740del, p.Phe580del (NM_001354809.2, NM_001354810.2); c.1399_1401del, p.Phe467del (NM_022965.4); short protein forms F467del, F579del, F580del, F581del.
Identifiers: ClinVar variation 3624457 (VCV003624457.2).